The following is an entry in ClinVar:

ClinVar aggregate classification (germline): Uncertain significance (1 of 4 stars; one submission).

Submission:

Mayo Clinic Laboratories, Mayo Clinic
Classification: Uncertain significance. Last evaluated: 2025-11-18. Review status: criteria provided, single submitter. Criteria: ACMG Guidelines, 2015. Collection method: clinical testing. Allele origin: germline. Observed: 1 variant allele.
Comment: BP4

NM_000498.3(CYP11B2):c.1398+3A>G

Genes: CYP11B2 (cytochrome P450 family 11 subfamily B member 2; minus strand), LOC106799834 (CYP11B2 recombination region; plus strand). Cytogenetic location: 8q24.3.
Variant type: single nucleotide variant.
Coding change: c.1398+3A>G on transcript NM_000498.3 (MANE Select); 3 bases into the intron after coding-DNA position 1398, A replaced by G.
Molecular consequence: intron variant.
Genome position (GRCh38, 1-based): chr8:142,912,527, T>C on the plus strand (A>G on the coding strand, the complement: CYP11B2 is on the minus strand). VCF-style: chr8-142912527-T-C. GRCh37 (hg19) VCF-style: chr8-143993943-T-C.
Other names: p.?.
Identifiers: ClinVar variation 4541399 (VCV004541399.1).